The following is an entry in ClinVar:

NM_002076.4(GNS):c.814C>T (p.Gln272Ter)

Gene: GNS (glucosamine (N-acetyl)-6-sulfatase; minus strand). Cytogenetic location: 12q14.3.
Variant type: single nucleotide variant.
Coding change: c.814C>T on transcript NM_002076.4 (MANE Select); coding-DNA position 814, C replaced by T.
Protein change: p.Gln272Ter; replaces glutamine 272 with a stop codon.
Molecular consequence: nonsense.
Genome position (GRCh38, 1-based): chr12:64,740,667, G>A on the plus strand (C>T on the coding strand, the complement: GNS is on the minus strand). VCF-style: chr12-64740667-G-A. GRCh37 (hg19) VCF-style: chr12-65134447-G-A.
Other names: short protein forms Q272*.
Identifiers: ClinVar variation 638094 (VCV000638094.1), dbSNP rs1365770233, ClinGen allele CA385608581.

ClinVar aggregate classification (germline): Pathogenic (1 of 4 stars; one submission).

Conditions:
Mucopolysaccharidosis, MPS-III-D (MPS3D). Also called: MPS IIID (Sanfilippo Syndrome Type D); MPS III D; Mucopoly-saccharidosis type 3D; N-acetylglucosamine-6-sulfate sulfatase deficiency; MPS 3D; MUCOPOLYSACCHARIDOSIS, TYPE IIID. Identifiers: Orphanet 581, Orphanet 79272, MedGen C0086650, MONDO:0009658, OMIM 252940.

Submission:

Laboratory of Diagnosis and Therapy of Lysosomal Disorders, University of Padova
Classification: Pathogenic for Mucopolysaccharidosis, MPS-III-D. Last evaluated: 2019-01-01. Review status: criteria provided, single submitter. Criteria: ACMG Guidelines, 2015. Collection method: literature only. Allele origin: germline. Affected: yes.
Comment: PVS1: nonsense. PS3: Absent in vivo enzymatic activity in homozygote. PM2: Absent from GnomAD

Literature cited by the submitters: PubMed 16990043; PubMed 30809705.